The following is an entry in ClinVar:

NM_003737.4(DCHS1):c.759G>A (p.Pro253=)

Gene: DCHS1 (dachsous cadherin-related 1; minus strand). Cytogenetic location: 11p15.4.
Variant type: single nucleotide variant.
Coding change: c.759G>A on transcript NM_003737.4 (MANE Select); coding-DNA position 759, G replaced by A.
Protein change: p.Pro253=; no amino-acid change (proline 253 retained).
Molecular consequence: synonymous variant.
Genome position (GRCh38, 1-based): chr11:6,640,855, C>T on the plus strand (G>A on the coding strand, the complement: DCHS1 is on the minus strand). VCF-style: chr11-6640855-C-T. GRCh37 (hg19) VCF-style: chr11-6662086-C-T.
Identifiers: ClinVar variation 725466 (VCV000725466.28), dbSNP rs147414014, ClinGen allele CA5861094.

ClinVar aggregate classification (germline): Likely benign. Review status: criteria provided, multiple submitters, no conflicts (2 of 4 stars). 3 submissions from 3 submitters: Likely benign (3). Last evaluated 2026-01-31.

Allele frequency attached by ClinVar (database versions not stated): TOPMed 0.00023; gnomAD exomes 0.00025 and 0.00046; ExAC 0.00026; gnomAD 0.00027 and 0.00029; ESP Exome Variant Server 0.00069.
gnomAD v4.1: 732 of 1,613,934 alleles (0.045%); highest among the groups gnomAD compares: Non-Finnish European, 0.056%; 1 homozygote.

Submissions (3):

Labcorp Genetics (formerly Invitae), Labcorp
Classification: Likely benign. Last evaluated: 2026-01-31. Review status: criteria provided, single submitter. Criteria: Invitae Variant Classification Sherloc (09022015). Collection method: clinical testing. Allele origin: germline.

Blueprint Genetics
Classification: Likely benign. Last evaluated: 2024-10-18. Review status: criteria provided, single submitter. Criteria: ACMG Guidelines, 2015. Collection method: clinical testing. Allele origin: germline.

CeGaT Center for Human Genetics Tuebingen
Classification: Likely benign. Last evaluated: 2024-05-01. Review status: criteria provided, single submitter. Criteria: CeGaT Center For Human Genetics Tuebingen Variant Classification Criteria Version 2. Collection method: clinical testing. Allele origin: germline. Affected: yes. Observed: 1 variant allele.
Comment: DCHS1: BP4, BP7